The following is an entry in ClinVar:

NM_000138.5(FBN1):c.3677G>T (p.Gly1226Val)

Gene: FBN1 (fibrillin 1; minus strand). Cytogenetic location: 15q21.1.
Variant type: single nucleotide variant.
Coding change: c.3677G>T on transcript NM_000138.5 (MANE Select); coding-DNA position 3677, G replaced by T.
Protein change: p.Gly1226Val; replaces glycine 1226 with valine.
Molecular consequence: missense variant.
Genome position (GRCh38, 1-based): chr15:48,485,409, C>A on the plus strand (G>T on the coding strand, the complement: FBN1 is on the minus strand). VCF-style: chr15-48485409-C-A. GRCh37 (hg19) VCF-style: chr15-48777606-C-A.
Other names: NM_000138.5(FBN1):c.3677G>T; p.Gly1226Val; short protein forms G1226V.
Identifiers: ClinVar variation 495598 (VCV000495598.7), dbSNP rs1555398387, ClinGen allele CA392324369.

ClinVar aggregate classification (germline): Uncertain significance. Review status: reviewed by expert panel (3 of 4 stars). 4 submissions from 4 submitters: Uncertain significance (1). 3 of the submissions do not count toward it. Last evaluated 2024-05-23.

Conditions:
Weill-Marchesani syndrome 2, dominant. Also called: FBN1-Related Weill-Marchesani Syndrome; Weill-Marchesani Syndrome, Autosomal Dominant. Identifiers: Orphanet 2084, MedGen C1869115, MONDO:0012013, OMIM 608328.
Ectopia lentis 1, isolated, autosomal dominant (ECTOL1). Identifiers: Orphanet 1885, MedGen C3541518, MONDO:0007514, OMIM 129600.
Marfan syndrome (MFS). Also called: MARFAN SYNDROME, TYPE I; FBN1-Related Marfan Syndrome; Marfan syndrome type 1; Marfan's syndrome; Marfan syndrome, classic. Identifiers: Orphanet 284963, Orphanet 558, MedGen C0024796, MONDO:0007947, OMIM 154700.
Stiff skin syndrome (SSKS). Identifiers: Orphanet 2833, MedGen C1861456, MONDO:0008492, OMIM 184900.
Acromicric dysplasia (ACMICD). Also called: Acromicric skeletal dysplasia. Identifiers: Orphanet 969, MedGen C0265287, MONDO:0007055, OMIM 102370.
Progeroid and marfanoid aspect-lipodystrophy syndrome. Also called: MARFANOID-PROGEROID SYNDROME; MARFAN-PROGEROID-LIPODYSTROPHY SYNDROME; Marfan lipodystrophy syndrome; MARFANOID-PROGEROID-LIPODYSTROPHY SYNDROME. Identifiers: Orphanet 300382, MedGen C4310796, MONDO:0014831, OMIM 616914.
MASS syndrome (OCTD). Also called: MASS PHENOTYPE; OVERLAP CONNECTIVE TISSUE DISEASE. Identifiers: MedGen C1858556, MONDO:0011431, OMIM 604308.
Geleophysic dysplasia 2 (GPHYSD2). Identifiers: Orphanet 2623, MedGen C3280054, MONDO:0013612, OMIM 614185.
Familial thoracic aortic aneurysm and aortic dissection (TAAD). Also called: Thoracic aortic aneurysms and dissections. Identifiers: Orphanet 91387, MedGen C4707243, MONDO:0019625.

Submissions (4):

ClinGen FBN1 Variant Curation Expert Panel, ClinGen
Classification: Uncertain significance for Marfan syndrome. Last evaluated: 2024-05-23. Review status: reviewed by expert panel. Criteria: Assertion Criteria VCEP FBN1 Version 1. Collection method: curation. Allele origin: germline. Inheritance: Autosomal dominant inheritance.
Comment: The NM_00138 c.3677G>T is a missense variant in FBN1 predicted to cause a substitution of a glycine by valine at amino acid 1226 (p.Gly1226Val), in a cbEGF-like domain of the protein. This variant was found in a pediatric proband with ectopia lentis and severe annuloaortic ectasia, which is a highly specific phenotype for Marfan syndrome (MFS) (PMID 26796135; PP4). This variant has been reported twice in ClinVar: once as likely pathogenic and once as uncertain significance (Variation ID: 495598). This variant is not present in gnomAD (PM2_sup; v2.1.1). Computational prediction tools and conservation analysis suggest that this variant may impact the protein (REVEL: 0.912). The constraint z-score for missense variants affecting FBN1 is 5.06 (PP2). Due to insufficient evidence, this variant is classified as uncertain significance for Marfan syndrome based on the ACMG/AMP criteria applied, as specified by the ClinGen FBN1 VCEP: PM2_Sup, PP2, PP3, PP4.

Labcorp Genetics (formerly Invitae), Labcorp
Classification: Likely pathogenic for Marfan syndrome; Familial thoracic aortic aneurysm and aortic dissection. Last evaluated: 2022-05-09. Review status: criteria provided, single submitter. Criteria: Invitae Variant Classification Sherloc (09022015). Collection method: clinical testing. Allele origin: germline. Not counted in ClinVar's aggregate classification.
Comment: This missense change has been observed in individual(s) with Marfan syndrome (PMID: 26796135). This sequence change replaces glycine, which is neutral and non-polar, with valine, which is neutral and non-polar, at codon 1226 of the FBN1 protein (p.Gly1226Val). This variant is not present in population databases (gnomAD no frequency). ClinVar contains an entry for this variant (Variation ID: 495598). Advanced modeling of protein sequence and biophysical properties (such as structural, functional, and spatial information, amino acid conservation, physicochemical variation, residue mobility, and thermodynamic stability) performed at Invitae indicates that this missense variant is expected to disrupt FBN1 protein function. In summary, the currently available evidence indicates that the variant is pathogenic, but additional data are needed to prove that conclusively. Therefore, this variant has been classified as Likely Pathogenic.

Department of Pathology and Laboratory Medicine, Sinai Health System
Classification: Uncertain significance for Acromicric dysplasia; Ectopia lentis 1, isolated, autosomal dominant; Marfan syndrome; Stiff skin syndrome; MASS syndrome; Weill-Marchesani syndrome 2, dominant; Geleophysic dysplasia 2; Progeroid and marfanoid aspect-lipodystrophy syndrome. Last evaluated: 2021-05-07. Review status: criteria provided, single submitter. Criteria: ACMG Guidelines, 2015. Collection method: clinical testing. Allele origin: germline. Not counted in ClinVar's aggregate classification.

Women's Health and Genetics/Laboratory Corporation of America, LabCorp
Classification: Uncertain significance. Last evaluated: 2016-11-08. Review status: criteria provided, single submitter. Criteria: LabCorp Variant Classification Summary - May 2015. Collection method: clinical testing. Allele origin: germline. Not counted in ClinVar's aggregate classification.
Comment: Variant summary: The FBN1 c.3677G>T (p.Gly1226Val) variant involves the alteration of a conserved nucleotide. 4/4 in silico tools predict a damaging outcome for this variant (SNPs&GO not captured due to low reliability index). This variant has been reported in one patient with early-onset Marfan syndrome (Maeda_2016) and is absent in 121388 control chromosomes. The variant of interest has not, to our knowledge, been evaluated for functional impact by in vivo/vitro studies. Taken together, this variant is classified as VUS until additional information becomes available.

Literature cited by the submitters: PubMed 26796135 (cited by 3 submitters).